The following is an entry in ClinVar:

ClinVar aggregate classification (germline): Uncertain significance (1 of 4 stars; one submission).

Conditions:
Cardiomyopathy (CMYO). Also called: Cardiomyopathies. Identifiers: Orphanet 167848, MedGen C0878544, MONDO:0004994, HP:0001638. Inheritance: Various modes of inheritance.

Allele frequency attached by ClinVar (database versions not stated): gnomAD exomes below 0.00001.
gnomAD v4.1: 1 of 1,613,700 alleles (0.000062%); no homozygotes.

Submission:

Color Diagnostics, LLC DBA Color Health
Classification: Uncertain significance for Cardiomyopathy. Last evaluated: 2024-03-06. Review status: criteria provided, single submitter. Criteria: ACMG Guidelines, 2015. Collection method: clinical testing. Allele origin: germline.
Comment: This missense variant replaces lysine with arginine at codon 411 of the DSC2 protein. Computational prediction suggests that this variant may not impact protein structure and function (internally defined REVEL score threshold <= 0.5, PMID: 27666373). To our knowledge, functional studies have not been reported for this variant. This variant has not been reported in individuals affected with cardiovascular disorders in the literature. This variant has been identified in 1/250954 chromosomes in the general population by the Genome Aggregation Database (gnomAD). The available evidence is insufficient to determine the role of this variant in disease conclusively. Therefore, this variant is classified as a Variant of Uncertain Significance.

NM_024422.6(DSC2):c.1232A>G (p.Lys411Arg)

Gene: DSC2 (desmocollin 2; minus strand). Cytogenetic location: 18q12.1.
Variant type: single nucleotide variant.
Coding change: c.1232A>G on transcript NM_024422.6 (MANE Select); coding-DNA position 1232, A replaced by G.
Protein change: p.Lys411Arg; replaces lysine 411 with arginine.
Molecular consequence: missense variant.
Genome position (GRCh38, 1-based): chr18:31,082,269, T>C on the plus strand (A>G on the coding strand, the complement: DSC2 is on the minus strand). VCF-style: chr18-31082269-T-C. GRCh37 (hg19) VCF-style: chr18-28662235-T-C.
Other names: c.1232A>G, p.Lys411Arg (NM_004949.5); short protein forms K411R.
Identifiers: ClinVar variation 1332468 (VCV001332468.4), dbSNP rs1567977831, ClinGen allele CA402109508.